The following is an entry in ClinVar:

NM_000260.4(MYO7A):c.2296A>G (p.Lys766Glu)

Gene: MYO7A (myosin VIIA; plus strand). Cytogenetic location: 11q13.5.
Variant type: single nucleotide variant.
Coding change: c.2296A>G on transcript NM_000260.4 (MANE Select); coding-DNA position 2296, A replaced by G.
Protein change: p.Lys766Glu; replaces lysine 766 with glutamic acid.
Molecular consequence: missense variant.
Genome position (GRCh38, 1-based): chr11:77,179,058, A>G. VCF-style: chr11-77179058-A-G. GRCh37 (hg19) VCF-style: chr11-76890104-A-G.
Other names: c.2296A>G, p.Lys766Glu (NM_001127180.2); c.2263A>G, p.Lys755Glu (NM_001369365.1); short protein forms K766E, K755E.
Identifiers: ClinVar variation 2016931 (VCV002016931.4), dbSNP rs2497161953, ClinGen allele CA381940825.
Genomic context (GRCh38, chr11:77,179,058, plus strand): 5'-TGGCTGCCTCTGGACACTGCTCACCCGCGCCACTACTGCTGTTTCAGGTCTAACTTTCTG[A>G]AGCTGAAGAACGCTGCCACACTGATCCAGAGGCACTGGCGGGGTCACAACTGTAGGAAGA-3'
Protein context (NP_000251.3, residues 756-776): RGFKDRSNFL[Lys766Glu]LKNAATLIQR

ClinVar aggregate classification (germline): Uncertain significance (1 of 4 stars; one submission).

Submission:

Labcorp Genetics (formerly Invitae), Labcorp
Classification: Uncertain significance. Last evaluated: 2022-07-14. Review status: criteria provided, single submitter. Criteria: Invitae Variant Classification Sherloc (09022015). Collection method: clinical testing. Allele origin: germline.
Comment: In summary, the available evidence is currently insufficient to determine the role of this variant in disease. Therefore, it has been classified as a Variant of Uncertain Significance. Advanced modeling of protein sequence and biophysical properties (such as structural, functional, and spatial information, amino acid conservation, physicochemical variation, residue mobility, and thermodynamic stability) performed at Invitae indicates that this missense variant is not expected to disrupt MYO7A protein function. This variant has not been reported in the literature in individuals affected with MYO7A-related conditions. This variant is not present in population databases (gnomAD no frequency). This sequence change replaces lysine, which is basic and polar, with glutamic acid, which is acidic and polar, at codon 766 of the MYO7A protein (p.Lys766Glu).